The following is an entry in ClinVar:

NM_033641.4(COL4A6):c.4546C>A (p.Pro1516Thr)

Gene: COL4A6 (collagen type IV alpha 6 chain; minus strand). Cytogenetic location: Xq22.3.
Variant type: single nucleotide variant.
Coding change: c.4546C>A on transcript NM_033641.4 (MANE Select); coding-DNA position 4546, C replaced by A.
Protein change: p.Pro1516Thr; replaces proline 1516 with threonine.
Molecular consequence: missense variant.
Genome position (GRCh38, 1-based): chrX:108,159,728, G>T on the plus strand (C>A on the coding strand, the complement: COL4A6 is on the minus strand). VCF-style: chrX-108159728-G-T. GRCh37 (hg19) VCF-style: chrX-107402958-G-T.
Other names: c.4597C>A, p.Pro1533Thr (NM_001287758.2); c.4474C>A, p.Pro1492Thr (NM_001287759.2); c.4375C>A, p.Pro1459Thr (NM_001287760.2); c.4549C>A, p.Pro1517Thr (NM_001847.4); short protein forms P1459T, P1492T, P1516T, P1517T, P1533T.
Identifiers: ClinVar variation 5019648 (VCV005019648.2).

ClinVar aggregate classification (germline): Uncertain significance (1 of 4 stars; one submission).

Conditions:
Hearing loss, X-linked 6. Also called: Deafness, X-linked 6. Identifiers: Orphanet 90625, MedGen C3806737, MONDO:0010484, OMIM 300914.

Submission:

Juno Genomics, Hangzhou Juno Genomics, Inc
Classification: Uncertain significance for Hearing loss, X-linked 6. Review status: criteria provided, single submitter. Criteria: ACMG Guidelines, 2015. Collection method: clinical testing. Allele origin: germline.
Comment: Absent from controls (or at extremely low frequency if recessive) in Genome Aggregation Database.;Multiple lines of computational evidence support a deleterious effect on the gene or gene product.